The following is an entry in ClinVar:

NM_000127.3(EXT1):c.229A>G (p.Ser77Gly)

Gene: EXT1 (exostosin glycosyltransferase 1; minus strand). Cytogenetic location: 8q24.11.
Variant type: single nucleotide variant.
Coding change: c.229A>G on transcript NM_000127.3 (MANE Select); coding-DNA position 229, A replaced by G.
Protein change: p.Ser77Gly; replaces serine 77 with glycine.
Molecular consequence: missense variant.
Genome position (GRCh38, 1-based): chr8:118,110,818, T>C on the plus strand (A>G on the coding strand, the complement: EXT1 is on the minus strand). VCF-style: chr8-118110818-T-C. GRCh37 (hg19) VCF-style: chr8-119123057-T-C.
Other names: short protein forms S77G.
Identifiers: ClinVar variation 4281292 (VCV004281292.7).

ClinVar aggregate classification (germline): Likely benign (1 of 4 stars; one submission).

gnomAD v4.1: 9 of 1,612,824 alleles (0.00056%); highest among the groups gnomAD compares: Non-Finnish European, 0.00017%; no homozygotes.

Submission:

CeGaT Center for Human Genetics Tuebingen
Classification: Likely benign. Last evaluated: 2025-09-01. Review status: criteria provided, single submitter. Criteria: CeGaT Center For Human Genetics Tuebingen Variant Classification Criteria Version 2. Collection method: clinical testing. Allele origin: germline. Affected: yes. Observed: 1 variant allele.
Comment: EXT1: BS2